The following is an entry in ClinVar:

NM_019066.5(MAGEL2):c.2305C>T (p.Leu769=)

Gene: MAGEL2 (MAGE family member L2; minus strand). Cytogenetic location: 15q11.2.
Variant type: single nucleotide variant.
Coding change: c.2305C>T on transcript NM_019066.5 (MANE Select); coding-DNA position 2305, C replaced by T.
Protein change: p.Leu769=; no amino-acid change (leucine 769 retained).
Molecular consequence: synonymous variant.
Genome position (GRCh38, 1-based): chr15:23,645,438, G>A on the plus strand (C>T on the coding strand, the complement: MAGEL2 is on the minus strand). VCF-style: chr15-23645438-G-A. GRCh37 (hg19) VCF-style: chr15-23890585-G-A.
Identifiers: ClinVar variation 2764595 (VCV002764595.3), dbSNP rs2503977520, ClinGen allele CA489229468.
Genomic context (GRCh38, chr15:23,645,438, plus strand): 5'-CACTTGAGGAGGGAGCAAAGGTCTCCGGTGTGGCAGGCAGGTTTTTCCAGGCAGCTGGCA[G>A]GTGTGCTCGCGCAGCTGACACTGCCTTGGGAGCACAGAAGGTGGCAGCAAAGATCATGCG-3'
Protein context (NP_061939.3, residues 759-779): PKAVSAARAH[Leu769=]PAAWKNLPAT

ClinVar aggregate classification (germline): Uncertain significance (1 of 4 stars; one submission).

Submission:

Labcorp Genetics (formerly Invitae), Labcorp
Classification: Uncertain significance. Last evaluated: 2023-09-30. Review status: criteria provided, single submitter. Criteria: Invitae Variant Classification Sherloc (09022015). Collection method: clinical testing. Allele origin: germline.
Comment: This variant is not present in population databases (gnomAD no frequency). In summary, the available evidence is currently insufficient to determine the role of this variant in disease. Therefore, it has been classified as a Variant of Uncertain Significance. This variant has not been reported in the literature in individuals affected with MAGEL2-related conditions. This sequence change affects codon 769 of the MAGEL2 mRNA. It is a 'silent' change, meaning that it does not change the encoded amino acid sequence of the MAGEL2 protein.